The following is an entry in ClinVar:

NM_000327.4(ROM1):c.190C>T (p.Gln64Ter)

Gene: ROM1 (retinal outer segment membrane protein 1; plus strand). Cytogenetic location: 11q12.3.
Variant type: single nucleotide variant.
Coding change: c.190C>T on transcript NM_000327.4 (MANE Select); coding-DNA position 190, C replaced by T.
Protein change: p.Gln64Ter; replaces glutamine 64 with a stop codon.
Molecular consequence: nonsense.
Genome position (GRCh38, 1-based): chr11:62,613,471, C>T. VCF-style: chr11-62613471-C-T. GRCh37 (hg19) VCF-style: chr11-62380943-C-T.
Other names: short protein forms Q64*.
Identifiers: ClinVar variation 1492104 (VCV001492104.6), dbSNP rs767143462, ClinGen allele CA380968826.

ClinVar aggregate classification (germline): Uncertain significance (1 of 4 stars; one submission).

gnomAD v4.1: 1 of 1,613,428 alleles (0.000062%); no homozygotes.

Submission:

Labcorp Genetics (formerly Invitae), Labcorp
Classification: Uncertain significance. Last evaluated: 2022-09-01. Review status: criteria provided, single submitter. Criteria: Invitae Variant Classification Sherloc (09022015). Collection method: clinical testing. Allele origin: germline.
Comment: ClinVar contains an entry for this variant (Variation ID: 1492104). In summary, the available evidence is currently insufficient to determine the role of this variant in disease. Therefore, it has been classified as a Variant of Uncertain Significance. This variant has not been reported in the literature in individuals affected with ROM1-related conditions. This variant is not present in population databases (gnomAD no frequency). This sequence change creates a premature translational stop signal (p.Gln64*) in the ROM1 gene. It is expected to result in an absent or disrupted protein product. However, the current clinical and genetic evidence is not sufficient to establish whether loss-of-function variants in ROM1 cause disease.